The following is an entry in ClinVar:

NM_001142800.2(EYS):c.8879T>C (p.Met2960Thr)

Genes: EYS (EGF-like photoreceptor maintenance factor; minus strand), PHF3 (PHD finger protein 3; plus strand). Cytogenetic location: 6q12.
Variant type: single nucleotide variant.
Coding change: c.8879T>C on transcript NM_001142800.2 (MANE Select); coding-DNA position 8879, T replaced by C.
Protein change: p.Met2960Thr; replaces methionine 2960 with threonine.
Molecular consequence: missense variant. On other transcripts: 3 prime UTR variant (5).
Genome position (GRCh38, 1-based): chr6:63,721,152, A>G on the plus strand (T>C on the coding strand, the complement: EYS is on the minus strand). VCF-style: chr6-63721152-A-G. GRCh37 (hg19) VCF-style: chr6-64431048-A-G.
Other names: c.*7444A>G (NM_001290259.2, NM_001370348.2, NM_001370349.2 and 2 more transcripts); c.8942T>C, p.Met2981Thr (NM_001292009.2); short protein forms M2960T, M2981T.
Identifiers: ClinVar variation 971544 (VCV000971544.10), dbSNP rs982064061, ClinGen allele CA140236820.

ClinVar aggregate classification (germline): Uncertain significance. Review status: criteria provided, single submitter (1 of 4 stars). 2 submissions from 2 submitters: Uncertain significance (1). 1 of the submissions does not count toward it. Last evaluated 2022-07-15.

Conditions:
Retinitis pigmentosa 25 (RP25). Identifiers: Orphanet 791, MedGen C1864446, MONDO:0011272, OMIM 602772.

Allele frequency attached by ClinVar (database versions not stated): gnomAD 0.00001; TOPMed 0.00001.
gnomAD v4.1: 2 of 1,551,492 alleles (0.00013%); highest among the groups gnomAD compares: African/African-American, 0.0027%; no homozygotes.

Submissions (2):

Labcorp Genetics (formerly Invitae), Labcorp
Classification: Uncertain significance. Last evaluated: 2022-07-15. Review status: criteria provided, single submitter. Criteria: Invitae Variant Classification Sherloc (09022015). Collection method: clinical testing. Allele origin: germline.
Comment: This variant has not been reported in the literature in individuals affected with EYS-related conditions. In summary, the available evidence is currently insufficient to determine the role of this variant in disease. Therefore, it has been classified as a Variant of Uncertain Significance. Algorithms developed to predict the effect of missense changes on protein structure and function (SIFT, PolyPhen-2, Align-GVGD) all suggest that this variant is likely to be tolerated. ClinVar contains an entry for this variant (Variation ID: 971544). This variant is present in population databases (no rsID available, gnomAD 0.01%). This sequence change replaces methionine, which is neutral and non-polar, with threonine, which is neutral and polar, at codon 2960 of the EYS protein (p.Met2960Thr).

Natera, Inc.
Classification: Uncertain significance for Retinitis pigmentosa type 25. Last evaluated: 2021-03-10. Review status: no assertion criteria provided. Collection method: clinical testing. Allele origin: germline. Not counted in ClinVar's aggregate classification.